The following is an entry in ClinVar:

NM_012154.5(AGO2):c.1903C>T (p.Arg635Trp)

Gene: AGO2 (argonaute RISC catalytic component 2; minus strand). Cytogenetic location: 8q24.3.
Variant type: single nucleotide variant.
Coding change: c.1903C>T on transcript NM_012154.5 (MANE Select); coding-DNA position 1903, C replaced by T.
Protein change: p.Arg635Trp; replaces arginine 635 with tryptophan.
Molecular consequence: missense variant.
Genome position (GRCh38, 1-based): chr8:140,541,295, G>A on the plus strand (C>T on the coding strand, the complement: AGO2 is on the minus strand). VCF-style: chr8-140541295-G-A. GRCh37 (hg19) VCF-style: chr8-141551394-G-A.
Other names: c.1903C>T, p.Arg635Trp (NM_001164623.3); short protein forms R635W.
Identifiers: ClinVar variation 3776629 (VCV003776629.1).

ClinVar aggregate classification (germline): Uncertain significance (1 of 4 stars; one submission).

gnomAD v4.1: 2 of 1,613,516 alleles (0.00012%); highest among the groups gnomAD compares: Non-Finnish European, 0.000085%; no homozygotes.

Submission:

GeneDx
Classification: Uncertain significance. Last evaluated: 2024-10-06. Review status: criteria provided, single submitter. Criteria: GeneDx Variant Classification Process June 2021. Collection method: clinical testing. Allele origin: germline. Affected: yes.
Comment: Not observed at significant frequency in large population cohorts (gnomAD); In silico analysis supports that this missense variant has a deleterious effect on protein structure/function; Has not been previously published as pathogenic or benign to our knowledge